The following is an entry in ClinVar:

ClinVar aggregate classification (germline): Uncertain significance (0 of 4 stars; one submission).

Conditions:
PTPRJ-related disorder. Also called: PTPRJ-related condition.

Allele frequency attached by ClinVar (database versions not stated): gnomAD exomes 0.00008; ExAC 0.00012; TOPMed 0.00015; 1000 Genomes Project 30x 0.00016; gnomAD 0.00016; 1000 Genomes Project 0.00020.
gnomAD v4.1: 142 of 1,612,670 alleles (0.0088%); highest among the groups gnomAD compares: Admixed American, 0.028%; no homozygotes.

Submission:

PreventionGenetics, part of Exact Sciences
Classification: Uncertain significance for PTPRJ-related condition. Last evaluated: 2024-01-04. Review status: no assertion criteria provided. Collection method: clinical testing. Allele origin: germline.
Comment: The PTPRJ c.2008G>A variant is predicted to result in the amino acid substitution p.Ala670Thr. To our knowledge, this variant has not been reported in the literature. This variant is reported in 0.031% of alleles in individuals of Latino descent in gnomAD. At this time, the clinical significance of this variant is uncertain due to the absence of conclusive functional and genetic evidence.

NM_002843.4(PTPRJ):c.2008G>A (p.Ala670Thr)

Gene: PTPRJ (protein tyrosine phosphatase receptor type J; plus strand). Cytogenetic location: 11p11.2.
Variant type: single nucleotide variant.
Coding change: c.2008G>A on transcript NM_002843.4 (MANE Select); coding-DNA position 2008, G replaced by A.
Protein change: p.Ala670Thr; replaces alanine 670 with threonine.
Molecular consequence: missense variant.
Genome position (GRCh38, 1-based): chr11:48,137,137, G>A. VCF-style: chr11-48137137-G-A. GRCh37 (hg19) VCF-style: chr11-48158689-G-A.
Other names: short protein forms A670T.
Identifiers: ClinVar variation 3034740 (VCV003034740.2), dbSNP rs200255695, ClinGen allele CA5982319.